The following continues an entry in ClinVar:

NM_007294.4(BRCA1):c.3477_3480del (p.Ile1159fs)

ClinVar aggregate classification (germline): Pathogenic. Pathogenic (1).

Submissions 7 to 14 of 14:

Quest Diagnostics Nichols Institute San Juan Capistrano
Classification: Pathogenic. Last evaluated: 2023-01-12. Review status: criteria provided, single submitter. Criteria: Quest Diagnostics criteria. Collection method: clinical testing. Allele origin: unknown. Not counted in ClinVar's aggregate classification.
Comment: This frameshift variant alters the translational reading frame of the BRCA1 mRNA and causes the premature termination of BRCA1 protein synthesis. The frequency of this variant in the general population, 0.000004 (1/251298 chromosomes), is consistent with pathogenicity. In the published literature, the variant has been reported in individuals with a personal or family history of breast and/or ovarian cancer (PMIDs: 34026625 (2021), 33558524 (2021), 32341426 (2020), 30606148 (2019), 31528241 (2019), 30128899 (2018), 30078507 (2018), 27836010 (2016), and 26187060 (2016)). Based on the available information, this variant is classified as pathogenic.

Baylor Genetics
Classification: Pathogenic for Breast-ovarian cancer, familial, susceptibility to, 1. Last evaluated: 2022-11-04. Review status: criteria provided, single submitter. Criteria: ACMG Guidelines, 2015. Collection method: clinical testing. Allele origin: unknown. Not counted in ClinVar's aggregate classification.

Women's Health and Genetics/Laboratory Corporation of America, LabCorp
Classification: Pathogenic for Hereditary breast ovarian cancer syndrome. Last evaluated: 2021-07-19. Review status: criteria provided, single submitter. Criteria: LabCorp Variant Classification Summary - May 2015. Collection method: clinical testing. Allele origin: germline. Not counted in ClinVar's aggregate classification.
Comment: Variant summary: BRCA1 c.3477_3480delAAAG (p.Ile1159MetfsX50) results in a premature termination codon, predicted to cause a truncation of the encoded protein or absence of the protein due to nonsense mediated decay, which are commonly known mechanisms for disease. Truncations downstream of this position have been classified as pathogenic by our laboratory. The variant allele was found at a frequency of 4e-06 in 251298 control chromosomes. c.3477_3480delAAAG has been reported in the literature in multiple individuals affected with Hereditary Breast And Ovarian Cancer Syndrome (example, Arteni_2003, Judkins_2005). These data indicate that the variant is very likely to be associated with disease. To our knowledge, no experimental evidence demonstrating an impact on protein function has been reported. Multiple clinical diagnostic laboratories, an expert panel (ENIGMA) and a consortium (CIMBA) have submitted clinical-significance assessments for this variant to ClinVar after 2014 without evidence for independent evaluation. All submitters classified the variant as pathogenic. Based on the evidence outlined above, the variant was classified as pathogenic.

Mendelics
Classification: Pathogenic for Hereditary breast and ovarian cancer syndrome. Last evaluated: 2018-07-02. Review status: criteria provided, single submitter. Criteria: Mendelics Assertion Criteria 2017. Collection method: clinical testing. Allele origin: unknown. Not counted in ClinVar's aggregate classification.

Consortium of Investigators of Modifiers of BRCA1/2 (CIMBA), c/o University of Cambridge
Classification: Pathogenic for Breast-ovarian cancer, familial, susceptibility to, 1. Last evaluated: 2015-10-02. Review status: criteria provided, single submitter. Criteria: CIMBA Mutation Classification guidelines May 2016. Collection method: clinical testing. Allele origin: germline. Not counted in ClinVar's aggregate classification.

Center of Medical Genetics and Primary Health Care
Classification: Pathogenic for Hereditary breast and ovarian cancer syndrome. Last evaluated: 2020-04-08. Review status: no assertion criteria provided. Collection method: research. Allele origin: inherited. Affected: yes. Observed: 4 variant alleles, 4 heterozygotes. Not counted in ClinVar's aggregate classification.
Comment: ACMG Guidelines 2015 criteria The BRCA1 p.Ile1159Metfs variant is a known pathogenic variant also in exon 11 in a non-functional domain just before the BRSTCANCERI domain (S1180-1200Q aa) (PMID: 10198641) and in a mutational hotspot with 35 pathogenic variants (PM1 Pathogenic Moderate). The deletion causes a frameshift, which changes an Isoleucine to a Methionine at codon 1159, and creates a premature stop codon at position 50 of the new reading frame. This null variant is predicted to cause loss of normal protein function through either protein truncation or nonsense-mediated mRNA decay which is an established disease mechanism in hereditary breast and ovarian cancer (PVS1 Pathogenic Very Strong). The allele frequency in GnomAD exomes is 0.00000398 which is less the threshold 0.0001 for recessive gene BRCA1, and the variant is not found in GnomAD genomes (PM2 Pathogenic Moderate). The variant has been classified as pathogenic by the ClinGen-approved ENIGMA expert panel (ClinVar SCV000299950.2) (PP5 Pathogenic Supporting). 1 pathogenic prediction from GERP versus no benign prediction supports its deleterious effect (PP3 Pathogenic Supporting). In this study the variant p.Ile1159Metfs was found in 4 patients from two families - a sister/sister and a brother/sister pair (PP1 Pathogenic Supporting). Therefore, this variant was classified as a Pathogenic.

Sharing Clinical Reports Project (SCRP)
Classification: Pathogenic for Breast-ovarian cancer, familial 1. Last evaluated: 2013-01-17. Review status: no assertion criteria provided. Collection method: clinical testing. Allele origin: germline. Not counted in ClinVar's aggregate classification.

Breast Cancer Information Core (BIC) (BRCA1)
Classification: Pathogenic for Breast-ovarian cancer, familial 1. Last evaluated: 2002-05-29. Review status: no assertion criteria provided. Collection method: clinical testing. Allele origin: germline. Affected: yes. Observed: 4 variant alleles. Not counted in ClinVar's aggregate classification.

Literature cited by the submitters: PubMed 20104584 (cited by Labcorp Genetics (formerly Invitae), Labcorp); PubMed 8968102 (cited by 4 submitters); PubMed 10612800 (cited by 3 submitters); PubMed 12872265 (cited by 3 submitters); PubMed 17018160 (cited by 4 submitters); PubMed 26187060 (cited by 4 submitters); PubMed 29446198 (cited by Ambry Genetics and Quest Diagnostics Nichols Institute San Juan Capistrano); PubMed 30128899 (cited by 3 submitters); PubMed 14531499 (cited by Quest Diagnostics Nichols Institute San Juan Capistrano and Women's Health and Genetics/Laboratory Corporation of America, LabCorp); PubMed 16267036 (cited by Quest Diagnostics Nichols Institute San Juan Capistrano and Women's Health and Genetics/Laboratory Corporation of America, LabCorp); PubMed 27836010 (cited by Quest Diagnostics Nichols Institute San Juan Capistrano); PubMed 30078507 (cited by Quest Diagnostics Nichols Institute San Juan Capistrano); PubMed 29922827 (cited by Quest Diagnostics Nichols Institute San Juan Capistrano); PubMed 30720243 (cited by Quest Diagnostics Nichols Institute San Juan Capistrano); PubMed 31528241 (cited by Quest Diagnostics Nichols Institute San Juan Capistrano); PubMed 30606148 (cited by Quest Diagnostics Nichols Institute San Juan Capistrano); PubMed 32341426 (cited by Quest Diagnostics Nichols Institute San Juan Capistrano); PubMed 33558524 (cited by Quest Diagnostics Nichols Institute San Juan Capistrano); PubMed 34026625 (cited by Quest Diagnostics Nichols Institute San Juan Capistrano); PubMed 22762150 (cited by Quest Diagnostics Nichols Institute San Juan Capistrano).